The following is an entry in ClinVar:

NM_001267550.2(TTN):c.104306A>T (p.Glu34769Val)

Genes: TTN (titin; minus strand), TTN-AS1 (TTN antisense RNA 1; plus strand). Cytogenetic location: 2q31.2.
Variant type: single nucleotide variant.
Coding change: c.104306A>T on transcript NM_001267550.2 (MANE Select); coding-DNA position 104306, A replaced by T.
Protein change: p.Glu34769Val; replaces glutamic acid 34769 with valine.
Molecular consequence: missense variant.
Genome position (GRCh38, 1-based): chr2:178,532,309, T>A on the plus strand (A>T on the coding strand, the complement: TTN is on the minus strand). VCF-style: chr2-178532309-T-A. GRCh37 (hg19) VCF-style: chr2-179397036-T-A.
Other names: c.99383A>T, p.Glu33128Val (NM_001256850.1); c.77111A>T, p.Glu25704Val (NM_003319.4); c.96602A>T, p.Glu32201Val (NM_133378.4); c.77486A>T, p.Glu25829Val (NM_133432.3); c.77687A>T, p.Glu25896Val (NM_133437.4); short protein forms E25829V, E25896V, E34769V, E32201V, E25704V, E33128V.
Identifiers: ClinVar variation 1524288 (VCV001524288.6), dbSNP rs2154134195, ClinGen allele CA349412025.

ClinVar aggregate classification (germline): Uncertain significance (1 of 4 stars; one submission).

Conditions:
Dilated cardiomyopathy 1G (CMD1G). Identifiers: Orphanet 154, MedGen C1858763, MONDO:0011400, OMIM 604145.
Autosomal recessive limb-girdle muscular dystrophy type 2J (LGMDR10). Also called: Limb-girdle muscular dystrophy, type 2J; MUSCULAR DYSTROPHY, LIMB-GIRDLE, AUTOSOMAL RECESSIVE 10. Identifiers: Orphanet 140922, MedGen C1837342, MONDO:0012127, OMIM 608807.

Submission:

Labcorp Genetics (formerly Invitae), Labcorp
Classification: Uncertain significance for Dilated cardiomyopathy 1G; Autosomal recessive limb-girdle muscular dystrophy type 2J. Last evaluated: 2023-10-13. Review status: criteria provided, single submitter. Criteria: Invitae Variant Classification Sherloc (09022015). Collection method: clinical testing. Allele origin: germline.
Comment: This sequence change replaces glutamic acid, which is acidic and polar, with valine, which is neutral and non-polar, at codon 34769 of the TTN protein (p.Glu34769Val). This variant is not present in population databases (gnomAD no frequency). This variant has not been reported in the literature in individuals affected with TTN-related conditions. ClinVar contains an entry for this variant (Variation ID: 1524288). Experimental studies and prediction algorithms are not available or were not evaluated, and the functional significance of this variant is currently unknown. This variant is located in the M band of TTN (PMID: 25589632). Variants in this region may be relevant for neuromuscular disorders, but have not been definitively shown to cause cardiomyopathy (PMID: 23975875). In summary, the available evidence is currently insufficient to determine the role of this variant in disease. Therefore, it has been classified as a Variant of Uncertain Significance.

Literature cited by the submitters: PubMed 25589632; PubMed 23975875.